The following is an entry in ClinVar:

NM_003560.4(PLA2G6):c.1904G>T (p.Arg635Leu)

Gene: PLA2G6 (phospholipase A2 group VI; minus strand). Cytogenetic location: 22q13.1.
Variant type: single nucleotide variant.
Coding change: c.1904G>T on transcript NM_003560.4 (MANE Select); coding-DNA position 1904, G replaced by T.
Protein change: p.Arg635Leu; replaces arginine 635 with leucine.
Molecular consequence: missense variant.
Genome position (GRCh38, 1-based): chr22:38,115,657, C>A on the plus strand (G>T on the coding strand, the complement: PLA2G6 is on the minus strand). VCF-style: chr22-38115657-C-A. GRCh37 (hg19) VCF-style: chr22-38511664-C-A.
Other names: c.1742G>T, p.Arg581Leu (NM_001004426.3, NM_001199562.3, NM_001349865.2 and 1 more transcripts); c.1904G>T, p.Arg635Leu (NM_001349864.2); c.1370G>T, p.Arg457Leu (NM_001349867.2); c.1226G>T, p.Arg409Leu (NM_001349868.2); c.1208G>T, p.Arg403Leu (NM_001349869.2); short protein forms R403L, R409L, R457L, R581L, R635L.
Identifiers: ClinVar variation 3780438 (VCV003780438.2).

ClinVar aggregate classification (germline): Uncertain significance. Review status: criteria provided, multiple submitters, no conflicts (2 of 4 stars). 2 submissions from 2 submitters: Uncertain significance (2). Last evaluated 2026-03-30.

Conditions:
Autosomal recessive Parkinson disease 14. Also called: DYSTONIA-PARKINSONISM, ADULT-ONSET; PARKINSON DISEASE 14. Identifiers: Orphanet 199351, MedGen C2751842, MONDO:0013060, OMIM 612953.
Infantile neuroaxonal dystrophy (NBIA2A). Also called: NEURODEGENERATION WITH BRAIN IRON ACCUMULATION 2A; SEITELBERGER DISEASE; Infantile neuroaxonal dystrophy 1. Identifiers: Orphanet 35069, MedGen C0270724, MONDO:0024457, OMIM 256600.
Neurodegeneration with brain iron accumulation 2B. Also called: NEUROAXONAL DYSTROPHY, ATYPICAL; NEURODEGENERATION WITH BRAIN IRON ACCUMULATION, PLA2G6-RELATED; aNAD; atypical Neuroaxonal Dystrophy (aNAD). Identifiers: Orphanet 35069, MedGen C1857747, MONDO:0012444, OMIM 610217.

gnomAD v4.1: 10 of 1,534,844 alleles (0.00065%); highest among the groups gnomAD compares: South Asian, 0.013%; no homozygotes.

Submissions (2):

Women's Health and Genetics/Laboratory Corporation of America, LabCorp
Classification: Uncertain significance. Last evaluated: 2026-03-30. Review status: criteria provided, single submitter. Criteria: LabCorp Variant Classification Summary - May 2015. Collection method: clinical testing. Allele origin: germline.
Comment: Variant summary: PLA2G6 c.1904G>T (p.Arg635Leu) results in a non-conservative amino acid change in the encoded protein sequence. Algorithms developed to predict the effect of missense changes on protein structure and function all suggest that this variant is likely to be disruptive. The variant allele was found at a frequency of 7.4e-06 in 135906 control chromosomes (gnomAD). The available data on variant occurrences in the general population are insufficient to allow any conclusion about variant significance. To our knowledge, no occurrence of c.1904G>T in individuals affected with PLA2G6-related conditions and no experimental evidence demonstrating its impact on protein function have been reported. ClinVar contains an entry for this variant (Variation ID: 3780438). Based on the evidence outlined above, the variant was classified as uncertain significance.

Department of Pathology and Laboratory Medicine, Sinai Health System
Classification: Uncertain significance for Autosomal recessive Parkinson disease 14; Neurodegeneration with brain iron accumulation 2B; Infantile neuroaxonal dystrophy. Last evaluated: 2023-01-13. Review status: criteria provided, single submitter. Criteria: ACMG Guidelines, 2015. Collection method: research. Allele origin: germline.